The following is an entry in ClinVar:

NM_015450.3(POT1):c.779G>C (p.Ser260Thr)

Gene: POT1 (protection of telomeres 1; minus strand). Cytogenetic location: 7q31.33.
Variant type: single nucleotide variant.
Coding change: c.779G>C on transcript NM_015450.3 (MANE Select); coding-DNA position 779, G replaced by C.
Protein change: p.Ser260Thr; replaces serine 260 with threonine.
Molecular consequence: missense variant. On other transcripts: non-coding transcript variant (3).
Genome position (GRCh38, 1-based): chr7:124,853,062, C>G on the plus strand (G>C on the coding strand, the complement: POT1 is on the minus strand). VCF-style: chr7-124853062-C-G. GRCh37 (hg19) VCF-style: chr7-124493116-C-G.
Other names: c.386G>C, p.Ser129Thr (NM_001042594.2); short protein forms S260T, S129T.
Identifiers: ClinVar variation 936400 (VCV000936400.11), dbSNP rs1323715274, ClinGen allele CA369055497.

ClinVar aggregate classification (germline): Uncertain significance. Review status: criteria provided, multiple submitters, no conflicts (2 of 4 stars). 2 submissions from 2 submitters: Uncertain significance (2). Last evaluated 2025-03-26.

Conditions:
Hereditary cancer-predisposing syndrome. Also called: Neoplastic Syndromes, Hereditary; Tumor predisposition; Hereditary Cancer Syndrome; Hereditary neoplastic syndrome. Identifiers: Orphanet 140162, MedGen C0027672, MeSH D009386, MONDO:0015356.
Tumor predisposition syndrome 3 (TPDS3). Also called: Glioma susceptibility 9; LONG TELOMERE SYNDROME, POT1-RELATED; POT1 Tumor Predisposition; Melanoma, cutaneous malignant, susceptibility to, 10. Identifiers: Orphanet 618, MedGen C4014476, MONDO:0014368, OMIM 615848.

Allele frequency attached by ClinVar (database versions not stated): gnomAD 0.00001; TOPMed 0.00001.
gnomAD v4.1: 5 of 1,610,964 alleles (0.00031%); highest among the groups gnomAD compares: Non-Finnish European, 0.00042%; no homozygotes.

Submissions (2):

Labcorp Genetics (formerly Invitae), Labcorp
Classification: Uncertain significance for Tumor predisposition syndrome 3. Last evaluated: 2025-03-26. Review status: criteria provided, single submitter. Criteria: Invitae Variant Classification Sherloc (09022015). Collection method: clinical testing. Allele origin: germline.
Comment: This sequence change replaces serine, which is neutral and polar, with threonine, which is neutral and polar, at codon 260 of the POT1 protein (p.Ser260Thr). This variant is not present in population databases (gnomAD no frequency). This variant has not been reported in the literature in individuals affected with POT1-related conditions. ClinVar contains an entry for this variant (Variation ID: 936400). Invitae Evidence Modeling of protein sequence and biophysical properties (such as structural, functional, and spatial information, amino acid conservation, physicochemical variation, residue mobility, and thermodynamic stability) indicates that this missense variant is not expected to disrupt POT1 protein function with a negative predictive value of 80%. In summary, the available evidence is currently insufficient to determine the role of this variant in disease. Therefore, it has been classified as a Variant of Uncertain Significance.

Ambry Genetics
Classification: Uncertain significance for Hereditary cancer-predisposing syndrome. Last evaluated: 2024-09-16. Review status: criteria provided, single submitter. Criteria: Ambry Variant Classification Scheme 2023. Collection method: clinical testing. Allele origin: germline.
Comment: The p.S260T variant (also known as c.779G>C), located in coding exon 6 of the POT1 gene, results from a G to C substitution at nucleotide position 779. The serine at codon 260 is replaced by threonine, an amino acid with similar properties. This amino acid position is conserved. In addition, this alteration is predicted to be tolerated by in silico analysis. Based on the available evidence, the clinical significance of this variant remains unclear.